The following is an entry in ClinVar:

NM_016373.4(WWOX):c.517-108237G>A

Gene: WWOX (WW domain containing oxidoreductase; plus strand). Cytogenetic location: 16q23.1.
Variant type: single nucleotide variant.
Coding change: c.517-108237G>A on transcript NM_016373.4 (MANE Select); 108237 bases into the intron before coding-DNA position 517, G replaced by A.
Molecular consequence: intron variant. On other transcripts: synonymous variant (1), non-coding transcript variant (1).
Genome position (GRCh38, 1-based): chr16:78,278,623, G>A. VCF-style: chr16-78278623-G-A. GRCh37 (hg19) VCF-style: chr16-78312520-G-A.
Other names: c.537G>A, p.Pro179= (NM_130791.5); c.178-108237G>A (NM_001291997.2).
Identifiers: ClinVar variation 2498671 (VCV002498671.29), dbSNP rs201737476, ClinGen allele CA8183278.

ClinVar aggregate classification (germline): Likely benign. Review status: criteria provided, multiple submitters, no conflicts (2 of 4 stars). 2 submissions from 2 submitters: Likely benign (2). Last evaluated 2025-06-01.

Allele frequency attached by ClinVar (database versions not stated): ExAC 0.00015; ESP Exome Variant Server 0.00009.
gnomAD v4.1: 599 of 1,610,618 alleles (0.037%); highest among the groups gnomAD compares: Non-Finnish European, 0.048%; 4 homozygotes.

Submissions (2):

CeGaT Center for Human Genetics Tuebingen
Classification: Likely benign. Last evaluated: 2025-06-01. Review status: criteria provided, single submitter. Criteria: CeGaT Center For Human Genetics Tuebingen Variant Classification Criteria Version 2. Collection method: clinical testing. Allele origin: germline. Affected: yes. Observed: 2 variant alleles.
Comment: WWOX: BP4, BP7

Blueprint Genetics
Classification: Likely benign. Last evaluated: 2024-10-22. Review status: criteria provided, single submitter. Criteria: ACMG Guidelines, 2015. Collection method: clinical testing. Allele origin: germline.